The following is an entry in ClinVar:

ClinVar aggregate classification (germline): Conflicting classifications of pathogenicity. Review status: criteria provided, conflicting classifications (1 of 4 stars). 2 submissions from 2 submitters: Uncertain significance (1); Likely benign (1). Last evaluated 2025-04-20.

Allele frequency attached by ClinVar (database versions not stated): gnomAD 0.00005; TOPMed 0.00005; gnomAD exomes 0.00006; ExAC 0.00008; 1000 Genomes Project 30x 0.00016; 1000 Genomes Project 0.00020.
gnomAD v4.1: 89 of 1,614,096 alleles (0.0055%); highest among the groups gnomAD compares: East Asian, 0.045%; no homozygotes.

Submissions (2):

Labcorp Genetics (formerly Invitae), Labcorp
Classification: Uncertain significance. Last evaluated: 2025-04-20. Review status: criteria provided, single submitter. Criteria: Invitae Variant Classification Sherloc (09022015). Collection method: clinical testing. Allele origin: germline.
Comment: This sequence change replaces valine, which is neutral and non-polar, with isoleucine, which is neutral and non-polar, at codon 438 of the ARNT2 protein (p.Val438Ile). This variant is present in population databases (rs537962071, gnomAD 0.1%). This variant has not been reported in the literature in individuals affected with ARNT2-related conditions. ClinVar contains an entry for this variant (Variation ID: 2896371). An algorithm developed to predict the effect of missense changes on protein structure and function (PolyPhen-2) suggests that this variant is likely to be tolerated. In summary, the available evidence is currently insufficient to determine the role of this variant in disease. Therefore, it has been classified as a Variant of Uncertain Significance.

Laboratory of Genetics, Children's Clinical University Hospital Latvia
Classification: Likely benign. Last evaluated: 2025-02-16. Review status: criteria provided, single submitter. Criteria: ACMG Guidelines, 2015. Collection method: clinical testing. Allele origin: germline. Affected: yes.

NM_014862.4(ARNT2):c.1312G>A (p.Val438Ile)

Gene: ARNT2 (aryl hydrocarbon receptor nuclear translocator 2; plus strand). Cytogenetic location: 15q25.1.
Variant type: single nucleotide variant.
Coding change: c.1312G>A on transcript NM_014862.4 (MANE Select); coding-DNA position 1312, G replaced by A.
Protein change: p.Val438Ile; replaces valine 438 with isoleucine.
Molecular consequence: missense variant.
Genome position (GRCh38, 1-based): chr15:80,563,235, G>A. VCF-style: chr15-80563235-G-A. GRCh37 (hg19) VCF-style: chr15-80855576-G-A.
Other names: short protein forms V438I.
Identifiers: ClinVar variation 2896371 (VCV002896371.3), dbSNP rs537962071, ClinGen allele CA7691975.